The following is an entry in ClinVar:

ClinVar aggregate classification (germline): Uncertain significance (1 of 4 stars; one submission).

Conditions:
Combined immunodeficiency due to DOCK8 deficiency (HIES2). Also called: HIES autosomal recessive; DOCK8 Deficiency; Hyper-IgE recurrent infection syndrome, autosomal recessive; HYPER-IgE RECURRENT INFECTION SYNDROME 2, AUTOSOMAL RECESSIVE; HYPER-IgE SYNDROME 2, AUTOSOMAL RECESSIVE, WITH RECURRENT INFECTIONS. Identifiers: Orphanet 217390, MedGen C4722305, MONDO:0009478, OMIM 243700.

Submission:

Labcorp Genetics (formerly Invitae), Labcorp
Classification: Uncertain significance for Combined immunodeficiency due to DOCK8 deficiency. Last evaluated: 2025-11-03. Review status: criteria provided, single submitter. Criteria: Invitae Variant Classification Sherloc (09022015). Collection method: clinical testing. Allele origin: germline.
Comment: This sequence change replaces alanine, which is neutral and non-polar, with serine, which is neutral and polar, at codon 1262 of the DOCK8 protein (p.Ala1262Ser). This variant is not present in population databases (gnomAD no frequency). This variant has not been reported in the literature in individuals affected with DOCK8-related conditions. ClinVar contains an entry for this variant (Variation ID: 2192263). Invitae Evidence Modeling of protein sequence and biophysical properties (such as structural, functional, and spatial information, amino acid conservation, physicochemical variation, residue mobility, and thermodynamic stability) indicates that this missense variant is not expected to disrupt DOCK8 protein function with a negative predictive value of 80%. In summary, the available evidence is currently insufficient to determine the role of this variant in disease. Therefore, it has been classified as a Variant of Uncertain Significance.

NM_203447.4(DOCK8):c.3784G>T (p.Ala1262Ser)

Gene: DOCK8 (dedicator of cytokinesis 8; plus strand). Cytogenetic location: 9p24.3.
Variant type: single nucleotide variant.
Coding change: c.3784G>T on transcript NM_203447.4 (MANE Select); coding-DNA position 3784, G replaced by T.
Protein change: p.Ala1262Ser; replaces alanine 1262 with serine.
Molecular consequence: missense variant.
Genome position (GRCh38, 1-based): chr9:418,151, G>T. VCF-style: chr9-418151-G-T. GRCh37 (hg19) VCF-style: chr9-418151-G-T.
Other names: c.3484G>T, p.Ala1162Ser (NM_001190458.2); c.3580G>T, p.Ala1194Ser (NM_001193536.2); short protein forms A1162S, A1262S, A1194S.
Identifiers: ClinVar variation 2192263 (VCV002192263.4), dbSNP rs2538771747, ClinGen allele CA372762302.